The following is an entry in ClinVar:

NM_000883.4(IMPDH1):c.1115T>G (p.Val372Gly)

Gene: IMPDH1 (inosine monophosphate dehydrogenase 1; minus strand). Cytogenetic location: 7q32.1.
Variant type: single nucleotide variant.
Coding change: c.1115T>G on transcript NM_000883.4 (MANE Select); coding-DNA position 1115, T replaced by G.
Protein change: p.Val372Gly; replaces valine 372 with glycine.
Molecular consequence: missense variant.
Genome position (GRCh38, 1-based): chr7:128,396,982, A>C on the plus strand (T>G on the coding strand, the complement: IMPDH1 is on the minus strand). VCF-style: chr7-128396982-A-C. GRCh37 (hg19) VCF-style: chr7-128037036-A-C.
Other names: c.1085T>G, p.Val362Gly (NM_001102605.2); c.860T>G, p.Val287Gly (NM_001142573.2); c.845T>G, p.Val282Gly (NM_001142574.2); c.785T>G, p.Val262Gly (NM_001142575.2); c.1016T>G, p.Val339Gly (NM_001142576.2); c.908T>G, p.Val303Gly (NM_001304521.2); c.1007T>G, p.Val336Gly (NM_183243.3); short protein forms V262G, V339G, V287G, V282G, V362G, V303G, V336G, V372G.
Identifiers: ClinVar variation 933543 (VCV000933543.8), dbSNP rs1457457563, ClinGen allele CA369166273.

ClinVar aggregate classification (germline): Uncertain significance (1 of 4 stars; one submission).

Allele frequency attached by ClinVar (database versions not stated): gnomAD exomes below 0.00001; gnomAD 0.00001; TOPMed 0.00001.
gnomAD v4.1: 4 of 1,613,888 alleles (0.00025%); highest among the groups gnomAD compares: African/African-American, 0.0013%; no homozygotes.

Submission:

Labcorp Genetics (formerly Invitae), Labcorp
Classification: Uncertain significance. Last evaluated: 2020-02-24. Review status: criteria provided, single submitter. Criteria: Invitae Variant Classification Sherloc (09022015). Collection method: clinical testing. Allele origin: germline.
Comment: This sequence change replaces valine with glycine at codon 372 of the IMPDH1 protein (p.Val372Gly). The valine residue is weakly conserved and there is a moderate physicochemical difference between valine and glycine. This variant is not present in population databases (ExAC no frequency). This variant has not been reported in the literature in individuals with IMPDH1-related conditions. Algorithms developed to predict the effect of missense changes on protein structure and function (SIFT, PolyPhen-2, Align-GVGD) all suggest that this variant is likely to be disruptive, but these predictions have not been confirmed by published functional studies and their clinical significance is uncertain. In summary, the available evidence is currently insufficient to determine the role of this variant in disease. Therefore, it has been classified as a Variant of Uncertain Significance.